The following is an entry in ClinVar:

NM_024675.4(PALB2):c.735G>T (p.Ala245=)

Gene: PALB2 (partner and localizer of BRCA2; minus strand). Cytogenetic location: 16p12.2.
Variant type: single nucleotide variant.
Coding change: c.735G>T on transcript NM_024675.4 (MANE Select); coding-DNA position 735, G replaced by T.
Protein change: p.Ala245=; no amino-acid change (alanine 245 retained).
Molecular consequence: synonymous variant.
Genome position (GRCh38, 1-based): chr16:23,635,811, C>A on the plus strand (G>T on the coding strand, the complement: PALB2 is on the minus strand). VCF-style: chr16-23635811-C-A. GRCh37 (hg19) VCF-style: chr16-23647132-C-A.
Other names: c.735G>T (NM_024675.3).
Identifiers: ClinVar variation 1547974 (VCV001547974.11), dbSNP rs371612049, ClinGen allele CA494461668.
Genomic context (GRCh38, chr16:23,635,811, plus strand): 5'-AATGTGTTCAAGGTGCTGACTACTACCGCTATCTGATAGAGTCTGTAAAGGAACTGTAGT[C>A]GCCCTGGTGAAATTAGGTCTTCTTAGGAATGTATCAACACCTTTTTCTGGTTGGGCAGTT-3'
Protein context (NP_078951.2, residues 235-255): TFLRRPNFTR[Ala245=]TTVPLQTLSD

ClinVar aggregate classification (germline): Benign/Likely benign. Review status: criteria provided, multiple submitters, no conflicts (2 of 4 stars). 3 submissions from 3 submitters: Benign (1); Likely benign (2). Last evaluated 2026-08-08.

Conditions:
Hereditary cancer-predisposing syndrome. Also called: Hereditary Cancer Syndrome; Tumor predisposition; Neoplastic Syndromes, Hereditary; Hereditary neoplastic syndrome. Identifiers: Orphanet 140162, MedGen C0027672, MeSH D009386, MONDO:0015356.
Familial cancer of breast. Also called: Hereditary breast cancer; BREAST CANCER, FAMILIAL; hereditary breast carcinoma. Identifiers: Orphanet 227535, MedGen C0346153, MONDO:0016419, OMIM 114480. Disease mechanism: loss of function.

Submissions (3):

Ambry Genetics
Classification: Likely benign for Hereditary cancer-predisposing syndrome. Last evaluated: 2026-08-08. Review status: criteria provided, single submitter. Criteria: Ambry Variant Classification Scheme 2023. Collection method: clinical testing. Allele origin: germline.

Myriad Genetics, Inc.
Classification: Benign for Familial cancer of breast. Last evaluated: 2025-01-10. Review status: criteria provided, single submitter. Criteria: Myriad Autosomal Dominant, Autosomal Recessive and X-Linked Classification Criteria (2023). Collection method: clinical testing. Allele origin: unknown.
Comment: This variant is considered benign. This variant is a silent/synonymous amino acid change and it is not expected to impact splicing.

Labcorp Genetics (formerly Invitae), Labcorp
Classification: Likely benign for Familial cancer of breast. Last evaluated: 2022-01-16. Review status: criteria provided, single submitter. Criteria: Invitae Variant Classification Sherloc (09022015). Collection method: clinical testing. Allele origin: germline.